The following is an entry in ClinVar:

NM_001267727.2(ARSG):c.711C>T (p.Ser237=)

Gene: ARSG (arylsulfatase G; plus strand). Cytogenetic location: 17q24.2.
Variant type: single nucleotide variant.
Coding change: c.711C>T on transcript NM_001267727.2 (MANE Select); coding-DNA position 711, C replaced by T.
Protein change: p.Ser237=; no amino-acid change (serine 237 retained).
Molecular consequence: synonymous variant.
Genome position (GRCh38, 1-based): chr17:68,368,554, C>T. VCF-style: chr17-68368554-C-T. GRCh37 (hg19) VCF-style: chr17-66364695-C-T.
Other names: c.711C>T, p.Ser237= (NM_001352899.2, NM_001352900.2, NM_001352901.2 and 3 more transcripts); c.708C>T, p.Ser236= (NM_001352903.2, NM_001352904.2, NM_001352905.2 and 2 more transcripts); c.663C>T, p.Ser221= (NM_001352909.2); c.711C>T (NM_014960.4).
Identifiers: ClinVar variation 1085772 (VCV001085772.12), dbSNP rs149016526, ClinGen allele CA8728341.

ClinVar aggregate classification (germline): Likely benign. Review status: criteria provided, multiple submitters, no conflicts (2 of 4 stars). 3 submissions from 3 submitters: Likely benign (2). 1 of the submissions does not count toward it. Last evaluated 2025-11-10.

Conditions:
ARSG-related disorder. Also called: ARSG-related condition.

Allele frequency attached by ClinVar (database versions not stated): gnomAD exomes 0.00006 and 0.00016; ExAC 0.00017; TOPMed 0.00040; gnomAD 0.00044 and 0.00049; ESP Exome Variant Server 0.00054.
gnomAD v4.1: 157 of 1,613,350 alleles (0.0097%); highest among the groups gnomAD compares: African/African-American, 0.14%; 1 homozygote.

Submissions (3):

Labcorp Genetics (formerly Invitae), Labcorp
Classification: Likely benign. Last evaluated: 2025-11-10. Review status: criteria provided, single submitter. Criteria: Invitae Variant Classification Sherloc (09022015). Collection method: clinical testing. Allele origin: germline.

Blueprint Genetics
Classification: Likely benign. Last evaluated: 2022-08-25. Review status: criteria provided, single submitter. Criteria: ACMG Guidelines, 2015. Collection method: clinical testing. Allele origin: germline.

PreventionGenetics, part of Exact Sciences
Classification: Likely benign for ARSG-related condition. Last evaluated: 2024-09-12. Review status: no assertion criteria provided. Collection method: clinical testing. Allele origin: germline. Not counted in ClinVar's aggregate classification.
Comment: This variant is classified as likely benign based on ACMG/AMP sequence variant interpretation guidelines (Richards et al. 2015 PMID: 25741868, with internal and published modifications).